The following is an entry in ClinVar:

NM_000500.9(CYP21A2):c.*12C>T

Genes: CYP21A2 (cytochrome P450 family 21 subfamily A member 2; plus strand), TNXB (tenascin XB; minus strand). Cytogenetic location: 6p21.33.
Variant type: single nucleotide variant.
Coding change: c.*12C>T on transcript NM_000500.9 (MANE Select); 12 bases downstream of the stop codon, C replaced by T.
Molecular consequence: 3 prime UTR variant.
Genome position (GRCh38, 1-based): chr6:32,041,146, C>T. VCF-style: chr6-32041146-C-T. GRCh37 (hg19) VCF-style: chr6-32008923-C-T.
Other names: c.*12C>T (NM_001128590.4, NM_001368143.2, NM_001368144.2).
Identifiers: ClinVar variation 585746 (VCV000585746.12), dbSNP rs150697472, ClinGen allele CA3732747.

ClinVar aggregate classification (germline): Conflicting classifications of pathogenicity. Review status: criteria provided, conflicting classifications (1 of 4 stars). 4 submissions from 4 submitters: Uncertain significance (1); Likely benign (3). Last evaluated 2025-10-02.

Conditions:
21-Hydroxylase-Deficient Congenital Adrenal Hyperplasia. Also called: ADRENAL HYPERPLASIA, CONGENITAL, DUE TO 21-HYDROXYLASE DEFICIENCY; ADRENAL HYPERPLASIA III. Identifiers: MedGen C2936858, OMIM 201910.

Allele frequency attached by ClinVar (database versions not stated): ESP Exome Variant Server 0.00627; gnomAD 0.00853 and 0.00890; gnomAD exomes 0.00974 and 0.01096; TOPMed 0.00974; 1000 Genomes Project 0.00978; 1000 Genomes Project 30x 0.01062; ExAC 0.01248.
gnomAD v4.1: 15,577 of 1,589,556 alleles (0.98%); highest among the groups gnomAD compares: Middle Eastern, 6.6%; 22 homozygotes.

Submissions (4):

Athena Diagnostics
Classification: Uncertain significance. Last evaluated: 2025-10-02. Review status: criteria provided, single submitter. Criteria: Athena Diagnostics Criteria. Collection method: clinical testing. Allele origin: unknown.
Comment: Available data are insufficient to determine the clinical significance of the variant at this time. This variant is located in a genomic region of low or unreliable sequencing quality, and therefore estimations of its population frequency are uninformative in assessment of variant pathogenicity. As reported in PMID: 28401898, the presence of this variant in individuals of European descent indicates a duplication of the CYP21A2 gene on the same chromosome as the allele containing the pathogenic variant c.955C>T. This extra gene copy functions normally, thus negating the effects of pathogenic variant(s) present in other copies, resulting in an effectively normal genotype. This has been demonstrated for people of European ancestry, it is not known at this time if the same association holds in other populations. In some published literature, this variant is referred to as 2842C>T, or 7842C>T. In multiple individuals, this variant has been seen where an alternate explanation for disease was also identified, suggesting this variant is unlikely to cause disease. Computational tools yielded predictions that this variant is unlikely to have an effect on normal RNA splicing.

Blueprint Genetics
Classification: Likely benign. Last evaluated: 2024-11-26. Review status: criteria provided, single submitter. Criteria: ACMG Guidelines, 2015. Collection method: clinical testing. Allele origin: germline.

Newborn Screening Ontario, Children's Hospital of Eastern Ontario (CHEO)
Classification: Likely benign for 21-Hydroxylase-Deficient Congenital Adrenal Hyperplasia. Last evaluated: 2024-08-15. Review status: criteria provided, single submitter. Criteria: ACMG Guidelines, 2015. Collection method: clinical testing. Allele origin: germline. Inheritance: Autosomal recessive inheritance.

GeneDx
Classification: Likely benign. Last evaluated: 2018-07-06. Review status: criteria provided, single submitter. Criteria: GeneDx Variant Classification Process June 2021. Collection method: clinical testing. Allele origin: germline. Affected: yes.

Literature cited by the submitters: PubMed 29266270 (cited by Athena Diagnostics); PubMed 32616876 (cited by Athena Diagnostics); PubMed 28487735 (cited by Athena Diagnostics); PubMed 28401898 (cited by Athena Diagnostics); PubMed 25227725 (cited by Athena Diagnostics); PubMed 37324257 (cited by Athena Diagnostics).